The following is an entry in ClinVar:

ClinVar aggregate classification (germline): Benign (0 of 4 stars; one submission).

Conditions:
CNTN6-related disorder. Also called: CNTN6-related condition.

Allele frequency attached by ClinVar (database versions not stated): gnomAD exomes 0.00033; ExAC 0.00117; 1000 Genomes Project 30x 0.00281; 1000 Genomes Project 0.00319; gnomAD 0.00323; TOPMed 0.00372; ESP Exome Variant Server 0.00415.
gnomAD v4.1: 1,037 of 1,613,122 alleles (0.064%); highest among the groups gnomAD compares: African/African-American, 1.1%; 5 homozygotes.

Submission:

PreventionGenetics, part of Exact Sciences
Classification: Benign for CNTN6-related condition. Last evaluated: 2020-12-24. Review status: no assertion criteria provided. Collection method: clinical testing. Allele origin: germline.
Comment: This variant is classified as benign based on ACMG/AMP sequence variant interpretation guidelines (Richards et al. 2015 PMID: 25741868, with internal and published modifications).

NM_001289080.2(CNTN6):c.2664G>A (p.Gly888=)

Gene: CNTN6 (contactin 6; plus strand). Cytogenetic location: 3p26.3.
Variant type: single nucleotide variant.
Coding change: c.2664G>A on transcript NM_001289080.2 (MANE Select); coding-DNA position 2664, G replaced by A.
Protein change: p.Gly888=; no amino-acid change (glycine 888 retained).
Molecular consequence: synonymous variant.
Genome position (GRCh38, 1-based): chr3:1,385,757, G>A. VCF-style: chr3-1385757-G-A. GRCh37 (hg19) VCF-style: chr3-1427441-G-A.
Other names: c.2448G>A, p.Gly816= (NM_001289081.2); c.2664G>A, p.Gly888= (NM_001349350.2, NM_001349351.2, NM_001349352.2 and 4 more transcripts); c.2556G>A, p.Gly852= (NM_001349356.2); c.2352G>A, p.Gly784= (NM_001349357.2); c.2109G>A, p.Gly703= (NM_001349358.2); c.1542G>A, p.Gly514= (NM_001349359.2, NM_001349360.2, NM_001349361.2 and 1 more transcripts).
Identifiers: ClinVar variation 3041873 (VCV003041873.2), dbSNP rs142948598, ClinGen allele CA2226674.